The following is an entry in ClinVar:

NM_001873.4(CPE):c.213C>T (p.Thr71=)

Gene: CPE (carboxypeptidase E; plus strand). Cytogenetic location: 4q32.3.
Variant type: single nucleotide variant.
Coding change: c.213C>T on transcript NM_001873.4 (MANE Select); coding-DNA position 213, C replaced by T.
Protein change: p.Thr71=; no amino-acid change (threonine 71 retained).
Molecular consequence: synonymous variant.
Genome position (GRCh38, 1-based): chr4:165,379,434, C>T. VCF-style: chr4-165379434-C-T. GRCh37 (hg19) VCF-style: chr4-166300586-C-T.
Identifiers: ClinVar variation 4984884 (VCV004984884.1).
Genomic context (GRCh38, chr4:165,379,434, plus strand): 5'-CGAGTACCACCGCTACCCCGAGCTGCGCGAGGCGCTCGTGTCCGTGTGGCTGCAGTGCAC[C>T]GCCATCAGCAGGATTTACACGGTGGGGCGCAGCTTCGAGGGCCGGGAGCTCCTGGTCATC-3'
Protein context (NP_001864.1, residues 61-81): EALVSVWLQC[Thr71=]AISRIYTVGR

ClinVar aggregate classification (germline): Likely benign (1 of 4 stars; one submission).

Conditions:
CPE-related disorder. Also called: CPE-related condition.

Submission:

PreventionGenetics, part of Exact Sciences
Classification: Likely benign for CPE-related condition. Last evaluated: 2025-11-18. Review status: criteria provided, single submitter. Criteria: ACMG Guidelines, 2015. Collection method: clinical testing. Allele origin: germline.
Comment: This variant is classified as likely benign based on ACMG/AMP sequence variant interpretation guidelines (Richards et al. 2015 PMID: 25741868, with internal and published modifications).